The following is an entry in ClinVar:

NM_001613.4(ACTA2):c.216G>A (p.Pro72=)

Gene: ACTA2 (actin alpha 2, smooth muscle; minus strand). Cytogenetic location: 10q23.31.
Variant type: single nucleotide variant.
Coding change: c.216G>A on transcript NM_001613.4 (MANE Select); coding-DNA position 216, G replaced by A.
Protein change: p.Pro72=; no amino-acid change (proline 72 retained).
Molecular consequence: synonymous variant. On other transcripts: intron variant (3).
Genome position (GRCh38, 1-based): chr10:88,947,300, C>T on the plus strand (G>A on the coding strand, the complement: ACTA2 is on the minus strand). VCF-style: chr10-88947300-C-T. GRCh37 (hg19) VCF-style: chr10-90707057-C-T.
Other names: c.216G>A, p.Pro72= (NM_001141945.3, NM_001320855.2, NM_001406462.1 and 4 more transcripts); c.129+1502G>A (NM_001406467.1, NM_001406468.1, NM_001406469.1).
Identifiers: ClinVar variation 536922 (VCV000536922.21), dbSNP rs181255627, ClinGen allele CA027083.

ClinVar aggregate classification (germline): Likely benign. Review status: criteria provided, multiple submitters, no conflicts (2 of 4 stars). 7 submissions from 7 submitters: Likely benign (7). Last evaluated 2026-01-21.

Conditions:
Aortic aneurysm, familial thoracic 6 (AAT6). Also called: FAMILIAL THORACIC AORTIC ANEURYSM WITH LIVEDO RETICULARIS AND IRIS FLOCCULI. Identifiers: MedGen C2673186, MONDO:0012730, OMIM 611788.
Familial thoracic aortic aneurysm and aortic dissection (TAAD). Also called: Thoracic aortic aneurysms and dissections. Identifiers: Orphanet 91387, MedGen C4707243, MONDO:0019625.

Allele frequency attached by ClinVar (database versions not stated): gnomAD exomes 0.00002 and 0.00004; TOPMed 0.00002; gnomAD 0.00004 and 0.00006; ExAC 0.00006; ESP Exome Variant Server 0.00008; 1000 Genomes Project 30x 0.00062; 1000 Genomes Project 0.00080.
gnomAD v4.1: 37 of 1,613,930 alleles (0.0023%); highest among the groups gnomAD compares: Admixed American, 0.035%; 1 homozygote.

Submissions (7):

Labcorp Genetics (formerly Invitae), Labcorp
Classification: Likely benign for Aortic aneurysm, familial thoracic 6. Last evaluated: 2026-01-21. Review status: criteria provided, single submitter. Criteria: Invitae Variant Classification Sherloc (09022015). Collection method: clinical testing. Allele origin: germline.

All of Us Research Program, National Institutes of Health
Classification: Likely benign for Familial thoracic aortic aneurysm and aortic dissection. Last evaluated: 2024-02-05. Review status: criteria provided, single submitter. Criteria: ACMG Guidelines, 2015. Collection method: clinical testing. Allele origin: germline. Inheritance: Autosomal dominant inheritance. Observed: 6 variant alleles, 6 heterozygotes.
Comment: This study involves interpretation of variants in research participants for the purpose of population health screening. Participant phenotype was not available at the time of variant classification. Additional details can be found in publication PMID: 35346344, PMCID: PMC8962531

Women's Health and Genetics/Laboratory Corporation of America, LabCorp
Classification: Likely benign. Last evaluated: 2023-03-27. Review status: criteria provided, single submitter. Criteria: LabCorp Variant Classification Summary - May 2015. Collection method: clinical testing. Allele origin: germline.

Blueprint Genetics
Classification: Likely benign. Last evaluated: 2022-03-23. Review status: criteria provided, single submitter. Criteria: ACMG Guidelines, 2015. Collection method: clinical testing. Allele origin: germline.

Ambry Genetics
Classification: Likely benign for Familial thoracic aortic aneurysm and aortic dissection. Last evaluated: 2020-12-21. Review status: criteria provided, single submitter. Criteria: Ambry Variant Classification Scheme 2023. Collection method: clinical testing. Allele origin: germline.

Color Diagnostics, LLC DBA Color Health
Classification: Likely benign for Familial thoracic aortic aneurysm and aortic dissection. Last evaluated: 2019-06-01. Review status: criteria provided, single submitter. Criteria: ACMG Guidelines, 2015. Collection method: clinical testing. Allele origin: germline.

CHEO Genetics Diagnostic Laboratory, Children's Hospital of Eastern Ontario
Classification: Likely benign for Familial thoracic aortic aneurysm and aortic dissection. Last evaluated: 2018-06-14. Review status: criteria provided, single submitter. Criteria: ACMG Guidelines, 2015. Collection method: clinical testing. Allele origin: germline.